The following is an entry in ClinVar:

NM_005633.4(SOS1):c.2122G>A (p.Ala708Thr)

Gene: SOS1 (SOS Ras/Rac guanine nucleotide exchange factor 1; minus strand). Cytogenetic location: 2p22.1.
Variant type: single nucleotide variant.
Coding change: c.2122G>A on transcript NM_005633.4 (MANE Select); coding-DNA position 2122, G replaced by A.
Protein change: p.Ala708Thr; replaces alanine 708 with threonine.
Molecular consequence: missense variant.
Genome position (GRCh38, 1-based): chr2:39,013,505, C>T on the plus strand (G>A on the coding strand, the complement: SOS1 is on the minus strand). VCF-style: chr2-39013505-C-T. GRCh37 (hg19) VCF-style: chr2-39240646-C-T.
Other names: NM_005633.3(SOS1):c.2122G>A; c.2101G>A, p.Ala701Thr (NM_001382394.1); c.2122G>A, p.Ala708Thr (NM_001382395.1); short protein forms A708T, A701T.
Identifiers: ClinVar variation 40697 (VCV000040697.48), dbSNP rs140811086, ClinGen allele CA136094.

ClinVar aggregate classification (germline): Benign. Review status: reviewed by expert panel (3 of 4 stars). 18 submissions from 17 submitters: Benign (1). 17 of the submissions do not count toward it. Last evaluated 2017-04-03.

Conditions:
Hypertrophic cardiomyopathy. Also called: HYPERTROPHIC MYOCARDIOPATHY. Identifiers: Orphanet 217569, MedGen C0007194, MeSH D002312, MONDO:0005045, HP:0001639.
Primary dilated cardiomyopathy (DCM). Also called: Dilated Cardiomyopathy. Identifiers: Orphanet 217604, MedGen C0007193, MeSH D002311, MONDO:0005021, HP:0001644. Inheritance: Various modes of inheritance.
Cardiomyopathy (CMYO). Also called: Cardiomyopathies. Identifiers: Orphanet 167848, MedGen C0878544, MONDO:0004994, HP:0001638. Inheritance: Various modes of inheritance.
Noonan syndrome and Noonan-related syndrome. Identifiers: Orphanet 98733, MedGen C5681679, MONDO:0020297.
Cardiovascular phenotype. Identifiers: MedGen CN230736.
Fibromatosis, gingival, 1 (GINGF1). Identifiers: Orphanet 2024, MedGen C4551558, MONDO:0007609, OMIM 135300.
Noonan syndrome 4 (NS4). Also called: NOONAN SYNDROME WITH PIGMENTED VILLONODULAR SYNOVITIS; SOS1-Related Noonan Syndrome. Identifiers: Orphanet 648, MedGen C1853120, MONDO:0012547, OMIM 610733.
RASopathy. Also called: rasopathies; Noonan spectrum disorder. Identifiers: Orphanet 536391, MedGen C5555857, MONDO:0021060.
Joubert syndrome 3 (JBTS3). Also called: AHI1-related Ciliopathy. Identifiers: Orphanet 220493, MedGen C1837713, MONDO:0012078, OMIM 608629.

Allele frequency attached by ClinVar (database versions not stated): gnomAD 0.00280 and 0.00282; ESP Exome Variant Server 0.00023; gnomAD exomes 0.00150 and 0.00692; 1000 Genomes Project 0.00419; TOPMed 0.00473; 1000 Genomes Project 30x 0.00484; ExAC 0.00536.
gnomAD v4.1: 2,603 of 1,612,550 alleles (0.16%); highest among the groups gnomAD compares: Admixed American, 4.1%; 71 homozygotes.

Submissions (18):

ClinGen RASopathy Variant Curation Expert Panel
Classification: Benign for Noonan syndrome and Noonan-related syndrome. Last evaluated: 2017-04-03. Review status: reviewed by expert panel. Criteria: ClinGen RASopathy ACMG Specifications v1. Collection method: curation. Allele origin: germline. Inheritance: Autosomal dominant inheritance.
Comment: The filtering allele frequency of the c.2122G>A (p.Ala708Thr) variant in the SOS1 gene is 5.13% for Latino chromosomes by the Exome Aggregation Consortium (633/11554 with 95% CI), which is a high enough frequency to be classified as benign based on thresholds defined by the ClinGen RASopathy Expert panel for autosomal dominant RASopathy variants (BA1).

Labcorp Genetics (formerly Invitae), Labcorp
Classification: Benign for RASopathy. Last evaluated: 2026-02-03. Review status: criteria provided, single submitter. Criteria: Invitae Variant Classification Sherloc (09022015). Collection method: clinical testing. Allele origin: germline. Not counted in ClinVar's aggregate classification.

Blueprint Genetics
Classification: Benign. Last evaluated: 2024-11-26. Review status: criteria provided, single submitter. Criteria: ACMG Guidelines, 2015. Collection method: clinical testing. Allele origin: germline. Not counted in ClinVar's aggregate classification.

ARUP Laboratories, Molecular Genetics and Genomics, ARUP Laboratories
Classification: Benign. Last evaluated: 2023-10-06. Review status: criteria provided, single submitter. Criteria: ARUP Molecular Germline Variant Investigation Process 2024. Collection method: clinical testing. Allele origin: germline. Not counted in ClinVar's aggregate classification.

Fulgent Genetics
Classification: Benign for Fibromatosis, gingival, 1; Noonan syndrome 4. Last evaluated: 2022-05-03. Review status: criteria provided, single submitter. Criteria: ACMG Guidelines, 2015. Collection method: clinical testing. Allele origin: unknown. Not counted in ClinVar's aggregate classification.

Genome Diagnostics Laboratory, The Hospital for Sick Children
Classification: Benign for Noonan syndrome and Noonan-related syndrome. Last evaluated: 2021-04-16. Review status: criteria provided, single submitter. Criteria: ACMG Guidelines, 2015. Collection method: clinical testing. Allele origin: germline. Not counted in ClinVar's aggregate classification.

Center for Advanced Laboratory Medicine, UC San Diego Health, University of California San Diego
Classification: Benign for Cardiomyopathy; Hypertrophic cardiomyopathy; Dilated cardiomyopathy. Last evaluated: 2019-05-28. Review status: criteria provided, single submitter. Criteria: ACMG Guidelines, 2015. Collection method: clinical testing. Allele origin: germline. Affected: yes. Observed: 6 variant alleles. Not counted in ClinVar's aggregate classification.

GeneDx
Classification: Benign. Last evaluated: 2018-12-13. Review status: criteria provided, single submitter. Criteria: GeneDx Variant Classification Process June 2021. Collection method: clinical testing. Allele origin: germline. Affected: yes. Not counted in ClinVar's aggregate classification.
Comment: This variant is associated with the following publications: (PMID: 27153395, 21387466, 27535533, 22585553, 21340158)

Ambry Genetics
Classification: Benign for Cardiovascular phenotype. Last evaluated: 2018-06-01. Review status: criteria provided, single submitter. Criteria: Ambry Variant Classification Scheme 2023. Collection method: clinical testing. Allele origin: germline. Not counted in ClinVar's aggregate classification.

Illumina Laboratory Services, Illumina
Classification: Likely benign for Noonan syndrome 4. Last evaluated: 2017-04-28. Review status: criteria provided, single submitter. Criteria: ICSL Variant Classification Criteria 13 December 2019. Collection method: clinical testing. Allele origin: germline. Not counted in ClinVar's aggregate classification.
Comment: This variant was observed as part of a predisposition screen in an ostensibly healthy population. A literature search was performed for the gene, cDNA change, and amino acid change (where applicable). Publications were found based on this search. The evidence from the literature, in combination with allele frequency data from public databases where available, was sufficient to determine this variant is unlikely to cause disease. Therefore, this variant is classified as likely benign.

Illumina Laboratory Services, Illumina
Classification: Likely benign for Fibromatosis, gingival, 1. Last evaluated: 2017-04-28. Review status: criteria provided, single submitter. Criteria: ICSL Variant Classification Criteria 13 December 2019. Collection method: clinical testing. Allele origin: germline. Not counted in ClinVar's aggregate classification.
Comment: This variant was observed as part of a predisposition screen in an ostensibly healthy population. A literature search was performed for the gene, cDNA change, and amino acid change (where applicable). No publications were found based on this search. Allele frequency data from public databases allowed determination this variant is unlikely to cause disease. Therefore, this variant is classified as likely benign.

Mayo Clinic Laboratories, Mayo Clinic
Classification: Benign. Last evaluated: 2015-07-07. Review status: criteria provided, single submitter. Criteria: ACMG Guidelines, 2015. Collection method: clinical testing. Allele origin: germline. Observed: 12 variant alleles. Not counted in ClinVar's aggregate classification.

Center for Pediatric Genomic Medicine, Children's Mercy Hospital and Clinics
Classification: Benign. Last evaluated: 2015-05-22. Review status: criteria provided, single submitter. Criteria: ACMG Guidelines, 2015. Collection method: clinical testing. Allele origin: germline. Not counted in ClinVar's aggregate classification.

Eurofins Ntd Llc (ga)
Classification: Benign. Last evaluated: 2015-04-21. Review status: criteria provided, single submitter. Criteria: EGL Classification Definitions 2015. Collection method: clinical testing. Allele origin: germline. Observed: 2 variant alleles, 2 heterozygotes. Not counted in ClinVar's aggregate classification.

Laboratory for Molecular Medicine, Mass General Brigham Personalized Medicine
Classification: Benign. Last evaluated: 2009-08-13. Review status: criteria provided, single submitter. Criteria: LMM Criteria. Collection method: clinical testing. Allele origin: germline. Observed: 38 variant alleles. Not counted in ClinVar's aggregate classification.

Breakthrough Genomics
Classification: Benign. Review status: criteria provided, single submitter. Criteria: ACMG Guidelines, 2015. Collection method: not provided. Allele origin: germline. Inheritance: Autosomal dominant inheritance. Affected: yes. Not counted in ClinVar's aggregate classification.

Broad Center for Mendelian Genomics, Broad Institute of MIT and Harvard
Classification: Benign for Joubert syndrome 3. Review status: criteria provided, single submitter. Criteria: ACMG Guidelines, 2015. Collection method: research. Allele origin: germline. Inheritance: Autosomal dominant inheritance. Affected: yes. Not counted in ClinVar's aggregate classification.
Comment: The heterozygous p.Ala708Thr variant in SOS1 has only been previously reported in individuals without Noonan syndrome but has been reported in association with Noonan syndrome (PMID: 22585553, 21340158), and has been identified in >5% of Latino chromosomes and 23 homozygotes by ExAC. In summary, this variant meets criteria to be classified as benign for autosomal dominant Noonan syndrome.

PreventionGenetics, part of Exact Sciences
Classification: Benign. Review status: criteria provided, single submitter. Criteria: ACMG Guidelines, 2015. Collection method: clinical testing. Allele origin: germline. Not counted in ClinVar's aggregate classification.

Literature cited by the submitters: PubMed 22585553 (cited by Illumina Laboratory Services, Illumina and Broad Center for Mendelian Genomics, Broad Institute of MIT and Harvard); PubMed 21387466 (cited by Illumina Laboratory Services, Illumina); PubMed 21340158 (cited by Illumina Laboratory Services, Illumina and Broad Center for Mendelian Genomics, Broad Institute of MIT and Harvard).